The following is an entry in ClinVar:

NM_001430.5(EPAS1):c.1877C>T (p.Thr626Ile)

Gene: EPAS1 (endothelial PAS domain protein 1; plus strand). Cytogenetic location: 2p21.
Variant type: single nucleotide variant.
Coding change: c.1877C>T on transcript NM_001430.5 (MANE Select); coding-DNA position 1877, C replaced by T.
Protein change: p.Thr626Ile; replaces threonine 626 with isoleucine.
Molecular consequence: missense variant.
Genome position (GRCh38, 1-based): chr2:46,380,549, C>T. VCF-style: chr2-46380549-C-T. GRCh37 (hg19) VCF-style: chr2-46607688-C-T.
Other names: short protein forms T626I.
Identifiers: ClinVar variation 1781798 (VCV001781798.3), dbSNP rs2546477490, ClinGen allele CA346705068.

ClinVar aggregate classification (germline): Uncertain significance (1 of 4 stars; one submission).

Conditions:
Inborn genetic diseases. Identifiers: MedGen C0950123, MeSH D030342.

Allele frequency attached by ClinVar (database versions not stated): gnomAD exomes below 0.00001.

Submission:

Ambry Genetics
Classification: Uncertain significance for Inborn genetic diseases. Last evaluated: 2024-06-07. Review status: criteria provided, single submitter. Criteria: Ambry Variant Classification Scheme 2023. Collection method: clinical testing. Allele origin: germline.
Comment: The p.T626I variant (also known as c.1877C>T), located in coding exon 12 of the EPAS1 gene, results from a C to T substitution at nucleotide position 1877. The threonine at codon 626 is replaced by isoleucine, an amino acid with similar properties. This amino acid position is conserved. In addition, this alteration is predicted to be tolerated by in silico analysis. Since supporting evidence is limited at this time, the clinical significance of this alteration remains unclear.